The following is an entry in ClinVar:

NM_005359.6(SMAD4):c.956-18C>G

Gene: SMAD4 (SMAD family member 4; plus strand). Cytogenetic location: 18q21.2.
Variant type: single nucleotide variant.
Coding change: c.956-18C>G on transcript NM_005359.6 (MANE Select); 18 bases into the intron before coding-DNA position 956, C replaced by G.
Molecular consequence: intron variant.
Genome position (GRCh38, 1-based): chr18:51,065,405, C>G. VCF-style: chr18-51065405-C-G. GRCh37 (hg19) VCF-style: chr18-48591775-C-G.
Other names: c.956-18C>G (NM_001407042.1, NM_001407041.1, NM_001407043.1).
Identifiers: ClinVar variation 3661197 (VCV003661197.2).

ClinVar aggregate classification (germline): Uncertain significance (1 of 4 stars; one submission).

Conditions:
Juvenile polyposis syndrome (JPS). Identifiers: Orphanet 2929, MedGen C0345893, MONDO:0017380, OMIM 174900.

Submission:

Labcorp Genetics (formerly Invitae), Labcorp
Classification: Uncertain significance for Juvenile polyposis syndrome. Last evaluated: 2024-08-01. Review status: criteria provided, single submitter. Criteria: Invitae Variant Classification Sherloc (09022015). Collection method: clinical testing. Allele origin: germline.
Comment: This sequence change falls in intron 8 of the SMAD4 gene. It does not directly change the encoded amino acid sequence of the SMAD4 protein. This variant is not present in population databases (gnomAD no frequency). This variant has not been reported in the literature in individuals affected with SMAD4-related conditions. Algorithms developed to predict the effect of sequence changes on RNA splicing suggest that this variant may disrupt the consensus splice site. In summary, the available evidence is currently insufficient to determine the role of this variant in disease. Therefore, it has been classified as a Variant of Uncertain Significance.